The following is an entry in ClinVar:

NM_001005361.3(DNM2):c.2252C>A (p.Pro751His)

Gene: DNM2 (dynamin 2; plus strand). Cytogenetic location: 19p13.2.
Variant type: single nucleotide variant.
Coding change: c.2252C>A on transcript NM_001005361.3 (MANE Select); coding-DNA position 2252, C replaced by A.
Protein change: p.Pro751His; replaces proline 751 with histidine.
Molecular consequence: missense variant.
Genome position (GRCh38, 1-based): chr19:10,829,229, C>A. VCF-style: chr19-10829229-C-A. GRCh37 (hg19) VCF-style: chr19-10939905-C-A.
Other names: c.2252C>A, p.Pro751His (NM_001005360.3, NM_001190716.2); c.2240C>A, p.Pro747His (NM_001005362.3, NM_004945.4); short protein forms P751H, P747H.
Identifiers: ClinVar variation 2817053 (VCV002817053.3), dbSNP rs2513372255, ClinGen allele CA404043167.

ClinVar aggregate classification (germline): Uncertain significance (1 of 4 stars; one submission).

Conditions:
Charcot-Marie-Tooth disease dominant intermediate B (CMTDIB). Also called: CHARCOT-MARIE-TOOTH NEUROPATHY, DOMINANT INTERMEDIATE B; Charcot-Marie-Tooth disease dominant intermediate 1; CMT DI1; Charcot-Marie-Tooth disease dominant intermediate I. Identifiers: Orphanet 100044, Orphanet 228179, MedGen C1847902, MONDO:0011674, OMIM 606482.

Submission:

Labcorp Genetics (formerly Invitae), Labcorp
Classification: Uncertain significance for Charcot-Marie-Tooth disease dominant intermediate B. Last evaluated: 2022-11-28. Review status: criteria provided, single submitter. Criteria: Invitae Variant Classification Sherloc (09022015). Collection method: clinical testing. Allele origin: germline.
Comment: Advanced modeling of protein sequence and biophysical properties (such as structural, functional, and spatial information, amino acid conservation, physicochemical variation, residue mobility, and thermodynamic stability) has been performed at Invitae for this missense variant, however the output from this modeling did not meet the statistical confidence thresholds required to predict the impact of this variant on DNM2 protein function. In summary, the available evidence is currently insufficient to determine the role of this variant in disease. Therefore, it has been classified as a Variant of Uncertain Significance. This sequence change replaces proline, which is neutral and non-polar, with histidine, which is basic and polar, at codon 751 of the DNM2 protein (p.Pro751His). This variant is not present in population databases (gnomAD no frequency). This variant has not been reported in the literature in individuals affected with DNM2-related conditions.